The following is an entry in ClinVar:

ClinVar aggregate classification (germline): Conflicting classifications of pathogenicity. Review status: criteria provided, conflicting classifications (1 of 4 stars). 3 submissions from 2 submitters: Uncertain significance (1); Likely benign (1). 1 of the submissions does not count toward it. Last evaluated 2018-01-12.

Conditions:
CHRNA1-related disorder. Also called: CHRNA1-related condition.
Congenital myasthenic syndrome (CMS). Also called: Congenital Myasthenic Syndromes. Identifiers: Orphanet 590, MedGen C0751882, MeSH D020294, MONDO:0018940.
Lethal multiple pterygium syndrome (LMPS). Identifiers: Orphanet 33108, MedGen C1854678, MONDO:0009668, OMIM 253290.

Allele frequency attached by ClinVar (database versions not stated): 1000 Genomes Project 30x 0.00031; 1000 Genomes Project 0.00040; gnomAD exomes 0.00203 and 0.00220; gnomAD 0.00212 and 0.00217; ExAC 0.00226; TOPMed 0.00233; ESP Exome Variant Server 0.00261.
gnomAD v4.1: 3,328 of 1,605,438 alleles (0.21%); highest among the groups gnomAD compares: Middle Eastern, 0.63%; 11 homozygotes.

Submissions (3):

Illumina Laboratory Services, Illumina
Classification: Uncertain significance for Congenital myasthenic syndrome. Last evaluated: 2018-01-12. Review status: criteria provided, single submitter. Criteria: ICSL Variant Classification Criteria 13 December 2019. Collection method: clinical testing. Allele origin: germline.

Illumina Laboratory Services, Illumina
Classification: Likely benign for Lethal multiple pterygium syndrome. Last evaluated: 2018-01-12. Review status: criteria provided, single submitter. Criteria: ICSL Variant Classification Criteria 13 December 2019. Collection method: clinical testing. Allele origin: germline.
Comment: This variant was observed in the ICSL laboratory as part of a predisposition screen in an ostensibly healthy population. It had not been previously curated by ICSL or reported in the Human Gene Mutation Database (HGMD: prior to June 1st, 2018), and was therefore a candidate for classification through an automated scoring system. Utilizing variant allele frequency, disease prevalence and penetrance estimates, and inheritance mode, an automated score was calculated to assess if this variant is too frequent to cause the disease. Based on the score and internal cut-off values, a variant classified as likely benign is not then subjected to further curation. The score for this variant resulted in a classification of likely benign for this disease.

PreventionGenetics, part of Exact Sciences
Classification: Benign for CHRNA1-related condition. Last evaluated: 2020-03-25. Review status: no assertion criteria provided. Collection method: clinical testing. Allele origin: germline. Not counted in ClinVar's aggregate classification.
Comment: This variant is classified as benign based on ACMG/AMP sequence variant interpretation guidelines (Richards et al. 2015 PMID: 25741868, with internal and published modifications).

NM_000079.4(CHRNA1):c.-37A>G

Gene: CHRNA1 (cholinergic receptor nicotinic alpha 1 subunit; minus strand). Cytogenetic location: 2q31.1.
Variant type: single nucleotide variant.
Coding change: c.-37A>G on transcript NM_000079.4 (MANE Select); 37 bases upstream of the start codon, A replaced by G.
Molecular consequence: 5 prime UTR variant.
Genome position (GRCh38, 1-based): chr2:174,764,431, T>C on the plus strand (A>G on the coding strand, the complement: CHRNA1 is on the minus strand). VCF-style: chr2-174764431-T-C. GRCh37 (hg19) VCF-style: chr2-175629159-T-C.
Other names: c.-37A>G (NM_001039523.3, NM_001039523.2).
Identifiers: ClinVar variation 332452 (VCV000332452.7), dbSNP rs182459320, ClinGen allele CA1974743.
Genomic context (GRCh38, chr2:174,764,431, plus strand): 5'-CAGGAGGAGAGGCCAGGGCTCCATGGGCTACCGGAGCTTGTGTGGACCAGGGCAGAGTGG[T>C]GGCCTGTGCTTCTCACTGGCACTCTGGCTGGGTGCTTGTCTGCTGGAGGGTTTGGAAAGC-3'